The following is an entry in ClinVar:

ClinVar aggregate classification (germline): Uncertain significance. Review status: criteria provided, multiple submitters, no conflicts (2 of 4 stars). 14 submissions from 14 submitters: Uncertain significance (11). 3 of the submissions do not count toward it. Last evaluated 2026-06-15.

Conditions:
ATM-related disorder. Also called: ATM-related disorders; ATM-related condition.
Hereditary cancer-predisposing syndrome. Also called: Neoplastic Syndromes, Hereditary; Hereditary neoplastic syndrome; Tumor predisposition; Hereditary Cancer Syndrome. Identifiers: Orphanet 140162, MedGen C0027672, MeSH D009386, MONDO:0015356.
Ataxia-telangiectasia syndrome (AT). Also called: Ataxia telangiectasia (A-T); Cerebello-oculocutaneous telangiectasia; Immunodeficiency with ataxia telangiectasia; LOUIS-BAR SYNDROME; AT, COMPLEMENTATION GROUP C; ATAXIA-TELANGIECTASIA, FRESNO VARIANT. Identifiers: Orphanet 100, MedGen C0004135, MONDO:0008840, OMIM 208900.
Malignant tumor of breast. Also called: Malignant breast neoplasm; Cancer breast. Identifiers: MedGen C0006142, MONDO:0007254. Disease mechanism: loss of function.
Familial cancer of breast. Also called: hereditary breast carcinoma; Hereditary breast cancer; BREAST CANCER, FAMILIAL. Identifiers: Orphanet 227535, MedGen C0346153, MONDO:0016419, OMIM 114480. Disease mechanism: loss of function.

Allele frequency attached by ClinVar (database versions not stated): TOPMed 0.00002; gnomAD 0.00002; gnomAD exomes 0.00001.
gnomAD v4.1: 18 of 1,613,900 alleles (0.0011%); highest among the groups gnomAD compares: African/African-American, 0.0027%; no homozygotes.

Submissions 1 to 9 of 14:

Women's Health and Genetics/Laboratory Corporation of America, LabCorp
Classification: Uncertain significance. Last evaluated: 2026-06-15. Review status: criteria provided, single submitter. Criteria: LabCorp Variant Classification Summary - May 2015. Collection method: clinical testing. Allele origin: germline.
Comment: Variant summary: ATM c.6814G>A (p.Glu2272Lys) results in a conservative amino acid change in the encoded protein sequence. Algorithms developed to predict the effect of missense changes on protein structure and function are either unavailable or do not agree on the potential impact of this missense change. The variant was absent in 251016 control chromosomes. The available data on variant occurrences in the general population are insufficient to allow any conclusion about variant significance. c.6814G>A has been reported in the literature in an individual affected with Acute Lymphoblastic Leukemia (Gumy Pause_2003) and one with Ataxia-Telangiectasia who also had a pathogenic variant (Fievet_2019). At least one publication reports experimental evidence evaluating an impact on protein function. These results showed no damaging effect of this variant (Hanenberg_2025). The following publications have been ascertained in the context of this evaluation (PMID: 31050087, 12673804, 40105422, 35095854). ClinVar contains an entry for this variant (Variation ID: 265315). Based on the evidence outlined above, the variant was classified as uncertain significance.

St. Jude Molecular Pathology, St. Jude Children's Research Hospital
Classification: Uncertain significance for Familial cancer of breast. Last evaluated: 2026-02-20. Review status: criteria provided, single submitter. Criteria: St. Jude Assertion Criteria 2020. Collection method: clinical testing. Allele origin: germline.
Comment: The ATM c.6814G>A p.(Glu2272Lys) missense change has a maximum subpopulation frequency of 0.011% in gnomAD v2.1.1. The in silico tool REVEL is inconclusive about a pathogenic or benign effect of this variant on protein function, and functional studies have not been performed. This variant has been reported in an individual with atypical ataxia-telangiectasia and co-occurred with a second ATM variant (PMID: 31050087). It has also been reported in individuals with acute lymphoblastic leukemia and breast cancer (PMID: 12673804, 32885271). This variant is present in one individual in a database of women older than 70 years of age who have never had cancer (FLOSSIES database). In summary, the evidence currently available is insufficient to determine the clinical significance of this variant. It has therefore been classified as of uncertain significance.

Labcorp Genetics (formerly Invitae), Labcorp
Classification: Uncertain significance for Ataxia-telangiectasia syndrome. Last evaluated: 2026-01-13. Review status: criteria provided, single submitter. Criteria: Invitae Variant Classification Sherloc (09022015). Collection method: clinical testing. Allele origin: germline.
Comment: This sequence change replaces glutamic acid, which is acidic and polar, with lysine, which is basic and polar, at codon 2272 of the ATM protein (p.Glu2272Lys). This variant is present in population databases (no rsID available, gnomAD 0.01%). This missense change has been observed in individual(s) with clinical features of ataxia telangiectasia and with leukemia (PMID: 12673804, 31050087, 32885271). ClinVar contains an entry for this variant (Variation ID: 265315). Invitae Evidence Modeling of protein sequence and biophysical properties (such as structural, functional, and spatial information, amino acid conservation, physicochemical variation, residue mobility, and thermodynamic stability) has been performed for this missense variant. However, the output from this modeling did not meet the statistical confidence thresholds required to predict the impact of this variant on ATM protein function. In summary, the available evidence is currently insufficient to determine the role of this variant in disease. Therefore, it has been classified as a Variant of Uncertain Significance.

Ambry Genetics
Classification: Uncertain significance for Hereditary cancer-predisposing syndrome. Last evaluated: 2025-06-30. Review status: criteria provided, single submitter. Criteria: Ambry Variant Classification Scheme 2023. Collection method: clinical testing. Allele origin: germline.
Comment: The p.E2272K variant (also known as c.6814G>A), located in coding exon 46 of the ATM gene, results from a G to A substitution at nucleotide position 6814. The glutamic acid at codon 2272 is replaced by lysine, an amino acid with similar properties. This alteration has been reported in conjunction with a pathogenic ATM mutation in an individual with an atypical Ataxia Telangiectasia phenotype (Fi&eacute;vet A et al. Hum Mutat, 2019 10;40:1713-1730). This amino acid position is highly conserved in available vertebrate species. In addition, this alteration is predicted to be deleterious by in silico analysis. Since supporting evidence is limited at this time, the clinical significance of this alteration remains unclear.

Baylor Genetics
Classification: Uncertain significance for Familial cancer of breast. Last evaluated: 2024-03-29. Review status: criteria provided, single submitter. Criteria: ACMG Guidelines, 2015. Collection method: clinical testing. Allele origin: unknown.

Color Diagnostics, LLC DBA Color Health
Classification: Uncertain significance for Hereditary cancer-predisposing syndrome. Last evaluated: 2024-02-12. Review status: criteria provided, single submitter. Criteria: ACMG Guidelines, 2015. Collection method: clinical testing. Allele origin: germline.
Comment: This missense variant replaces glutamic acid with lysine at codon 2272 of the ATM protein. Computational prediction is inconclusive regarding the impact of this variant on protein structure and function. To our knowledge, functional studies have not been reported for this variant. This variant has been reported in an individual affected with early-onset breast cancer and an individual affected with childhood acute lymphoblastic leukemia (PMID: 12673804, 32885271). This variant has also been observed in the compound heterozygous state in an individual affected with autosomal recessive ataxia-telangiectasia (PMID: 31050087), indicating that this variant contributes to disease. This variant has been identified in 1/31394 chromosomes in the general population by the Genome Aggregation Database (gnomAD). The available evidence is insufficient to determine the role of this variant in disease conclusively. Therefore, this variant is classified as a Variant of Uncertain Significance.

PreventionGenetics, part of Exact Sciences
Classification: Uncertain significance for ATM-related condition. Last evaluated: 2023-02-16. Review status: criteria provided, single submitter. Criteria: ACMG Guidelines, 2015. Collection method: clinical testing. Allele origin: germline.
Comment: The ATM c.6814G>A variant is predicted to result in the amino acid substitution p.Glu2272Lys. This variant has been reported in an individual with acute lymphoblastic leukemia and an individual with breast cancer (Table 2, Gumy Pause et al. 2003. PubMed ID: 12673804; Supplement, Lerner-Ellis et al. 2021. PubMed ID: 32885271). It has also been reported along with a second ATM variant in an individual with atypical ataxia-telangiectasia (Patient AT26, Table S2, Fiévet et al. 2019. PubMed ID: 31050087). This variant is reported in 0.011% of alleles in individuals of African descent in gnomAD and is interpreted as uncertain significance in ClinVar. At this time, the clinical significance of this variant is uncertain due to the absence of conclusive functional and genetic evidence.

Athena Diagnostics
Classification: Uncertain significance. Last evaluated: 2021-10-14. Review status: criteria provided, single submitter. Criteria: Athena Diagnostics Criteria. Collection method: clinical testing. Allele origin: unknown.

Sema4
Classification: Uncertain significance for Hereditary cancer-predisposing syndrome. Last evaluated: 2021-05-29. Review status: criteria provided, single submitter. Criteria: Sema4 Curation Guidelines. Collection method: curation. Allele origin: germline.
Comment: The ATM c.6814G>A (p.E2272K) variant has been reported as compound heterozygous in at least one individual with atypical ataxia telangiectasia (PMID: 31050087) and was also observed in a patient with childhood acute lymphoblastic leukemia (PMID: 12673804). In vitro functional studies have shown that this variant alters the cellular localization of the ATM protein (PMID: 31050087). In silico tools that predict the impact of the variant on protein function are inconclusive. This variant was observed in 1/8710 chromosomes in the African American (AFR) population according to the Genome Aggregation Database (PMID: 32461654), and has been reported in ClinVar (Variation ID: 265315). Based on the current evidence available, this variant is interpreted as a variant of uncertain significance.

NM_000051.4(ATM):c.6814G>A (p.Glu2272Lys)

Genes: ATM (ATM serine/threonine kinase; plus strand), C11orf65 (chromosome 11 open reading frame 65; minus strand). Cytogenetic location: 11q22.3.
Variant type: single nucleotide variant.
Coding change: c.6814G>A on transcript NM_000051.4 (MANE Select); coding-DNA position 6814, G replaced by A.
Protein change: p.Glu2272Lys; replaces glutamic acid 2272 with lysine.
Molecular consequence: missense variant. On other transcripts: intron variant (2).
Genome position (GRCh38, 1-based): chr11:108,326,064, G>A. VCF-style: chr11-108326064-G-A. GRCh37 (hg19) VCF-style: chr11-108196791-G-A.
Other names: c.6814G>A, p.Glu2272Lys (NM_001351834.2); c.641-16993C>T (NM_001330368.2); c.*38+9156C>T (NM_001351110.2); short protein forms E2272K.
Identifiers: ClinVar variation 265315 (VCV000265315.39), dbSNP rs886039471, ClinGen allele CA10588506.